The following is an entry in ClinVar:

ClinVar aggregate classification (germline): Uncertain significance (1 of 4 stars; one submission).

Conditions:
Hereditary sensory and autonomic neuropathy type 1 (HSAN1). Also called: HSAN 1; HSN Type I; Hereditary Sensory Neuropathy Type I. Identifiers: Orphanet 36386, MedGen C0020071, MONDO:0018213.

Submission:

Labcorp Genetics (formerly Invitae), Labcorp
Classification: Uncertain significance for Hereditary sensory and autonomic neuropathy type 1. Last evaluated: 2023-05-01. Review status: criteria provided, single submitter. Criteria: Invitae Variant Classification Sherloc (09022015). Collection method: clinical testing. Allele origin: unknown.
Comment: In summary, the available evidence is currently insufficient to determine the role of this variant in disease. Therefore, it has been classified as a Variant of Uncertain Significance. This variant has not been reported in the literature in individuals affected with SPTLC1-related conditions. This variant is a gross deletion of the genomic region encompassing exon(s) 1-3 of the SPTLC1 gene, which includes the initiator codon. This deletion extends beyond the assayed region for this gene and therefore may encompass additional genes. It is expected to result in an absent or disrupted protein product. However, the current clinical and genetic evidence is not sufficient to establish whether loss-of-function variants in SPTLC1 cause disease.

NC_000009.11:g.(?_94871002)_(94877652_?)del

Gene: SPTLC1 (serine palmitoyltransferase long chain base subunit 1; minus strand). Cytogenetic location: 9q22.31.
Variant type: Deletion.
Identifiers: ClinVar variation 3245074 (VCV003245074.1).